The following is an entry in ClinVar:

NM_001267550.2(TTN):c.31351C>T (p.Pro10451Ser)

Gene: TTN (titin; minus strand). Cytogenetic location: 2q31.2.
Variant type: single nucleotide variant.
Coding change: c.31351C>T on transcript NM_001267550.2 (MANE Select); coding-DNA position 31351, C replaced by T.
Protein change: p.Pro10451Ser; replaces proline 10451 with serine.
Molecular consequence: missense variant. On other transcripts: intron variant (3).
Genome position (GRCh38, 1-based): chr2:178,694,674, G>A on the plus strand (C>T on the coding strand, the complement: TTN is on the minus strand). VCF-style: chr2-178694674-G-A. GRCh37 (hg19) VCF-style: chr2-179559401-G-A.
Other names: c.30400C>T, p.Pro10134Ser (NM_001256850.1); c.27619C>T, p.Pro9207Ser (NM_133378.4); c.13282+43408C>T (NM_003319.4); c.13858+43408C>T (NM_133437.4); c.13657+43408C>T (NM_133432.3); short protein forms P10134S, P10451S, P9207S.
Identifiers: ClinVar variation 915640 (VCV000915640.3), dbSNP rs927638747, ClinGen allele CA60991700.

ClinVar aggregate classification (germline): Uncertain significance. Review status: criteria provided, multiple submitters, no conflicts (2 of 4 stars). 2 submissions from 2 submitters: Uncertain significance (2). Last evaluated 2025-04-30.

Conditions:
TTN-related disorder. Also called: TTN-related condition; TTN-related disease; TTN-related disorders.
Cardiomyopathy (CMYO). Also called: Cardiomyopathies. Identifiers: Orphanet 167848, MedGen C0878544, MONDO:0004994, HP:0001638. Inheritance: Various modes of inheritance.

Allele frequency attached by ClinVar (database versions not stated): gnomAD 0.00002; gnomAD exomes 0.00003 and 0.00004; TOPMed 0.00003.
gnomAD v4.1: 60 of 1,547,576 alleles (0.0039%); highest among the groups gnomAD compares: Non-Finnish European, 0.0051%; no homozygotes.

Submissions (2):

PreventionGenetics, part of Exact Sciences
Classification: Uncertain significance for TTN-related condition. Last evaluated: 2025-04-30. Review status: criteria provided, single submitter. Criteria: ACMG Guidelines, 2015. Collection method: clinical testing. Allele origin: germline.
Comment: The TTN c.31351C>T variant is predicted to result in the amino acid substitution p.Pro10451Ser. To our knowledge, this variant has not been reported in the literature. This variant is reported in 0.0048% of alleles in individuals of European (Non-Finnish) descent in gnomAD. At this time, the clinical significance of this variant is uncertain due to the absence of conclusive functional and genetic evidence.

CHEO Genetics Diagnostic Laboratory, Children's Hospital of Eastern Ontario
Classification: Uncertain significance for Cardiomyopathy. Last evaluated: 2018-10-01. Review status: criteria provided, single submitter. Criteria: ACMG Guidelines, 2015. Collection method: clinical testing. Allele origin: germline.